The following is an entry in ClinVar:

NM_001370259.2(MEN1):c.1372G>A (p.Val458Met)

Gene: MEN1 (menin 1; minus strand). Cytogenetic location: 11q13.1.
Variant type: single nucleotide variant.
Coding change: c.1372G>A on transcript NM_001370259.2 (MANE Select); coding-DNA position 1372, G replaced by A.
Protein change: p.Val458Met; replaces valine 458 with methionine.
Molecular consequence: missense variant. On other transcripts: non-coding transcript variant (4).
Genome position (GRCh38, 1-based): chr11:64,804,795, C>T on the plus strand (G>A on the coding strand, the complement: MEN1 is on the minus strand). VCF-style: chr11-64804795-C-T. GRCh37 (hg19) VCF-style: chr11-64572267-C-T.
Other names: c.1267G>A, p.Val423Met (NM_001370262.2, NM_001370263.2, NM_001407148.1 and 1 more transcripts); c.1498G>A, p.Val500Met (NM_001407142.1, NM_001407143.1, NM_001407144.1 and 1 more transcripts); c.1387G>A, p.Val463Met (NM_001407145.1, NM_130800.3, NM_130801.3 and 4 more transcripts); c.1372G>A, p.Val458Met (NM_001407146.1, NM_001407147.1, NM_130799.3 and 2 more transcripts); c.1513G>A, p.Val505Met (NM_001407150.1); c.1393G>A, p.Val465Met (NM_001407151.1); c.1207G>A, p.Val403Met (NM_001407152.1); short protein forms V403M, V423M, V458M, V463M, V465M, V500M, V505M.
Identifiers: ClinVar variation 4859914 (VCV004859914.1).

ClinVar aggregate classification (germline): Uncertain significance (1 of 4 stars; one submission).

Conditions:
Hereditary cancer-predisposing syndrome. Also called: Neoplastic Syndromes, Hereditary; Tumor predisposition; Hereditary Cancer Syndrome; Hereditary neoplastic syndrome. Identifiers: Orphanet 140162, MedGen C0027672, MeSH D009386, MONDO:0015356.

Submission:

Ambry Genetics
Classification: Uncertain significance for Hereditary cancer-predisposing syndrome. Last evaluated: 2026-05-23. Review status: criteria provided, single submitter. Criteria: Ambry Variant Classification Scheme 2023. Collection method: clinical testing. Allele origin: germline.
Comment: The p.V458M variant (also known as c.1372G>A), located in coding exon 9 of the MEN1 gene, results from a G to A substitution at nucleotide position 1372. The valine at codon 458 is replaced by methionine, an amino acid with highly similar properties. This amino acid position is conserved. In addition, the in silico prediction for this alteration is inconclusive. Based on the available evidence, the clinical significance of this variant remains unclear.